The following is an entry in ClinVar:

ClinVar aggregate classification (germline): Uncertain significance (1 of 4 stars; one submission).

Conditions:
Congenital myasthenic syndrome 4A. Also called: Myasthenic syndrome, congenital, 4a, slow-channel; MYASTHENIC SYNDROME, CONGENITAL, 4A, SLOW-CHANNEL, AUTOSOMAL RECESSIVE; CONGENITAL MYASTHENIC SYNDROME TYPE Ia1. Identifiers: Orphanet 590, MedGen C4225413, MONDO:0011600, OMIM 605809.

gnomAD v4.1: 3 of 1,603,196 alleles (0.00019%); highest among the groups gnomAD compares: Non-Finnish European, 0.00025%; no homozygotes.

Submission:

Labcorp Genetics (formerly Invitae), Labcorp
Classification: Uncertain significance for Congenital myasthenic syndrome 4A. Last evaluated: 2022-01-17. Review status: criteria provided, single submitter. Criteria: Invitae Variant Classification Sherloc (09022015). Collection method: clinical testing. Allele origin: germline.
Comment: In summary, the available evidence is currently insufficient to determine the role of this variant in disease. Therefore, it has been classified as a Variant of Uncertain Significance. Advanced modeling of protein sequence and biophysical properties (such as structural, functional, and spatial information, amino acid conservation, physicochemical variation, residue mobility, and thermodynamic stability) performed at Invitae indicates that this missense variant is not expected to disrupt CHRNE protein function. ClinVar contains an entry for this variant (Variation ID: 937803). This variant has not been reported in the literature in individuals affected with CHRNE-related conditions. This variant is not present in population databases (gnomAD no frequency). This sequence change replaces leucine, which is neutral and non-polar, with proline, which is neutral and non-polar, at codon 384 of the CHRNE protein (p.Leu384Pro).

NM_000080.4(CHRNE):c.1151T>C (p.Leu384Pro)

Genes: CHRNE (cholinergic receptor nicotinic epsilon subunit; minus strand), LOC130060040 (ATAC-STARR-seq lymphoblastoid silent region 8049; plus strand). Cytogenetic location: 17p13.2.
Variant type: single nucleotide variant.
Coding change: c.1151T>C on transcript NM_000080.4 (MANE Select); coding-DNA position 1151, T replaced by C.
Protein change: p.Leu384Pro; replaces leucine 384 with proline.
Molecular consequence: missense variant.
Genome position (GRCh38, 1-based): chr17:4,899,266, A>G on the plus strand (T>C on the coding strand, the complement: CHRNE is on the minus strand). VCF-style: chr17-4899266-A-G. GRCh37 (hg19) VCF-style: chr17-4802561-A-G.
Other names: short protein forms L384P.
Identifiers: ClinVar variation 937803 (VCV000937803.8), dbSNP rs753397420, ClinGen allele CA397300405.